The following is an entry in ClinVar:

ClinVar aggregate classification (germline): Uncertain significance (1 of 4 stars; one submission).

Conditions:
Familial thoracic aortic aneurysm and aortic dissection (TAAD). Also called: Thoracic aortic aneurysms and dissections. Identifiers: Orphanet 91387, MedGen C4707243, MONDO:0019625.

gnomAD v4.1: 1 of 1,614,060 alleles (0.000062%); highest among the groups gnomAD compares: Non-Finnish European, 0.000085%; no homozygotes.

Submission:

Color Diagnostics, LLC DBA Color Health
Classification: Uncertain significance for Familial thoracic aortic aneurysm and aortic dissection. Last evaluated: 2025-09-08. Review status: criteria provided, single submitter. Criteria: ACMG Guidelines, 2015. Collection method: clinical testing. Allele origin: germline.
Comment: This missense variant replaces proline with alanine at codon 316 of the FBN1 protein. Computational prediction is inconclusive regarding the impact of this variant on protein structure and function. To our knowledge, functional studies have not been reported for this variant. This variant has not been reported in individuals affected with FBN1-related disorders in the literature. This variant has not been identified in the general population by the Genome Aggregation Database (gnomAD). The available evidence is insufficient to determine the role of this variant in disease conclusively. Therefore, this variant is classified as a Variant of Uncertain Significance.

NM_000138.5(FBN1):c.946C>G (p.Pro316Ala)

Gene: FBN1 (fibrillin 1; minus strand). Cytogenetic location: 15q21.1.
Variant type: single nucleotide variant.
Coding change: c.946C>G on transcript NM_000138.5 (MANE Select); coding-DNA position 946, C replaced by G.
Protein change: p.Pro316Ala; replaces proline 316 with alanine.
Molecular consequence: missense variant.
Genome position (GRCh38, 1-based): chr15:48,526,172, G>C on the plus strand (C>G on the coding strand, the complement: FBN1 is on the minus strand). VCF-style: chr15-48526172-G-C. GRCh37 (hg19) VCF-style: chr15-48818369-G-C.
Other names: c.946C>G, p.Pro316Ala (NM_001406716.1); short protein forms P316A.
Identifiers: ClinVar variation 4756400 (VCV004756400.1).